The following is an entry in ClinVar:

ClinVar aggregate classification (germline): Uncertain significance (1 of 4 stars; one submission).

Conditions:
Familial adenomatous polyposis 1 (FAP1). Also called: FAMILIAL ADENOMATOUS POLYPOSIS 1, ATTENUATED; POLYPOSIS, ADENOMATOUS INTESTINAL. Identifiers: MedGen C2713442, MONDO:0021056, OMIM 175100. Disease mechanism: loss of function.

Submission:

Labcorp Genetics (formerly Invitae), Labcorp
Classification: Uncertain significance for Familial adenomatous polyposis 1. Last evaluated: 2023-03-27. Review status: criteria provided, single submitter. Criteria: Invitae Variant Classification Sherloc (09022015). Collection method: clinical testing. Allele origin: germline.
Comment: This variant, c.4864_4875del, results in the deletion of 4 amino acid(s) of the APC protein (p.Asn1622_Gln1625del), but otherwise preserves the integrity of the reading frame. This variant is not present in population databases (gnomAD no frequency). This variant has not been reported in the literature in individuals affected with APC-related conditions. ClinVar contains an entry for this variant (Variation ID: 2114004). Experimental studies and prediction algorithms are not available or were not evaluated, and the functional significance of this variant is currently unknown. In summary, the available evidence is currently insufficient to determine the role of this variant in disease. Therefore, it has been classified as a Variant of Uncertain Significance.

NM_000038.6(APC):c.4864_4875del (p.Asn1622_Gln1625del)

Gene: APC (APC regulator of Wnt signaling pathway; plus strand). Cytogenetic location: 5q22.2.
Variant type: Deletion.
Coding change: c.4864_4875del on transcript NM_000038.6 (MANE Select); coding-DNA positions 4864 to 4875, 12 bases deleted (AACAGGTTGCAA).
Protein change: p.Asn1622_Gln1625del.
Molecular consequence: inframe deletion. On other transcripts: inframe indel (20).
Genome position (GRCh38, 1-based): chr5:112,840,458-112,840,469, AACAGGTTGCAA deleted; deleting any 12 consecutive bases within chr5:112,840,455-112,840,469 gives the same sequence; the c. name uses the placement nearest the transcript's 3' end. VCF-style (leftmost placement, unchanged base first): chr5-112840454-ACAAAACAGGTTG-A. GRCh37 (hg19) VCF-style: chr5-112176151-ACAAAACAGGTTG-A.
Other names: c.4864_4875del, p.Asn1622_Gln1625del (NM_001127510.3, NM_001354895.2); c.4810_4821del, p.Asn1604_Gln1607del (NM_001127511.3); c.4918_4929del, p.Asn1640_Gln1643del (NM_001354896.2); c.4894_4905del, p.Asn1632_Gln1635del (NM_001354897.2); c.4789_4800del, p.Asn1597_Gln1600del (NM_001354898.2); c.4780_4791del, p.Asn1594_Gln1597del (NM_001354899.2); c.4741_4752del, p.Asn1581_Gln1584del (NM_001354900.2); c.4687_4698del, p.Asn1563_Gln1566del (NM_001354901.2); and 16 more.
Identifiers: ClinVar variation 2114004 (VCV002114004.4), dbSNP rs2533604498, ClinGen allele CA2578379928.
Genomic context (GRCh38, chr5:112,840,454, plus strand): 5'-ATTACCTCCACCTGTGGCAAGGAAACCAAGTCAGCTGCCTGTGTACAAACTTCTACCATC[ACAAAACAGGTTG>A]CAACCCCAAAAGCATGTTAGTTTTACACCGGGGGATGATATGCCACGGGTGTATTGTGTT-3'